The following is an entry in ClinVar:

NM_002016.2(FLG):c.11486G>A (p.Arg3829His)

Genes: CCDST (cervical cancer associated DHX9 suppressive transcript; plus strand), FLG (filaggrin; minus strand). Cytogenetic location: 1q21.3.
Variant type: single nucleotide variant.
Coding change: c.11486G>A on transcript NM_002016.2 (MANE Select); coding-DNA position 11486, G replaced by A.
Protein change: p.Arg3829His; replaces arginine 3829 with histidine.
Molecular consequence: missense variant.
Genome position (GRCh38, 1-based): chr1:152,303,400, C>T on the plus strand (G>A on the coding strand, the complement: FLG is on the minus strand). VCF-style: chr1-152303400-C-T. GRCh37 (hg19) VCF-style: chr1-152275876-C-T.
Other names: short protein forms R3829H.
Identifiers: ClinVar variation 1206088 (VCV001206088.34), dbSNP rs145079750, ClinGen allele CA1102886.

ClinVar aggregate classification (germline): Likely benign. Review status: criteria provided, multiple submitters, no conflicts (2 of 4 stars). 4 submissions from 4 submitters: Likely benign (2). 2 of the submissions do not count toward it. Last evaluated 2026-06-01.

Allele frequency attached by ClinVar (database versions not stated): gnomAD 0.00089 and 0.00107; ESP Exome Variant Server 0.00092; 1000 Genomes Project 0.00140; 1000 Genomes Project 30x 0.00172; ExAC 0.00209.

Submissions (4):

CeGaT Center for Human Genetics Tuebingen
Classification: Likely benign. Last evaluated: 2026-06-01. Review status: criteria provided, single submitter. Criteria: CeGaT Center For Human Genetics Tuebingen Variant Classification Criteria Version 2. Collection method: clinical testing. Allele origin: germline. Affected: yes. Observed: 11 variant alleles.
Comment: FLG: BP4, BS2

Breakthrough Genomics
Classification: Likely benign. Review status: criteria provided, single submitter. Criteria: ACMG Guidelines, 2015. Collection method: not provided. Allele origin: germline. Inheritance: Autosomal dominant inheritance. Affected: yes.

Clinical Genetics DNA and cytogenetics Diagnostics Lab, Erasmus MC, Erasmus Medical Center
Classification: Likely benign. Review status: no assertion criteria provided. Collection method: clinical testing. Allele origin: germline. Affected: yes. Study: VKGL Data-share Consensus. Not counted in ClinVar's aggregate classification.

Laboratory of Diagnostic Genome Analysis, Leiden University Medical Center (LUMC)
Classification: Likely benign. Review status: no assertion criteria provided. Collection method: clinical testing. Allele origin: germline. Affected: yes. Study: VKGL Data-share Consensus. Not counted in ClinVar's aggregate classification.